The following is an entry in ClinVar:

ClinVar aggregate classification (germline): Pathogenic/Likely pathogenic. Review status: criteria provided, multiple submitters, no conflicts (2 of 4 stars). 2 submissions from 2 submitters: Pathogenic (1); Likely pathogenic (1). Last evaluated 2022-10-17.

Conditions:
Bietti crystalline corneoretinal dystrophy (BCD). Also called: BIETTI TAPETORETINAL DEGENERATION WITH MARGINAL CORNEAL DYSTROPHY; Bietti Crystalline Dystrophy. Identifiers: Orphanet 41751, MedGen C1859486, MONDO:0008865, OMIM 210370.

Submissions (2):

Labcorp Genetics (formerly Invitae), Labcorp
Classification: Pathogenic. Last evaluated: 2022-10-17. Review status: criteria provided, single submitter. Criteria: Invitae Variant Classification Sherloc (09022015). Collection method: clinical testing. Allele origin: germline.
Comment: This sequence change creates a premature translational stop signal (p.Glu168Lysfs*29) in the CYP4V2 gene. It is expected to result in an absent or disrupted protein product. Loss-of-function variants in CYP4V2 are known to be pathogenic (PMID: 15042513, 25118264). This variant is present in population databases (rs746484929, gnomAD 0.007%). This variant has not been reported in the literature in individuals affected with CYP4V2-related conditions. ClinVar contains an entry for this variant (Variation ID: 930032). For these reasons, this variant has been classified as Pathogenic.

Laboratory for Molecular Medicine, Mass General Brigham Personalized Medicine
Classification: Likely pathogenic for Bietti crystalline corneoretinal dystrophy. Last evaluated: 2020-03-03. Review status: criteria provided, single submitter. Criteria: LMM Criteria. Collection method: clinical testing. Allele origin: germline. Inheritance: Autosomal recessive inheritance. Observed: 1 variant allele.
Comment: The p.Glu168LysfsX29 variant in CYP4V2 has not been previously reported in individuals with Bietti crystalline dystrophy but has been identified in 0.01% (1/16244) of African chromosomes by gnomAD. This variant is predicted to cause a frameshift, which alters the proteinâ€™s amino acid sequence beginning at position 168 and leads to a premature termination codon 29 amino acids downstream. Frameshift and other loss of function variants have been reported in individuals with Bietti crystalline dystrophy (Stenston 2017). In summary, although additional studies are required to fully establish its clinical significance, this variant meets criteria to be classified as likely pathogenic for autosomal recessive Bietti crystalline dystrophy. ACMG/AMP Criteria applied: PM2, PVS1.

Literature cited by the submitters: PubMed 15042513 (cited by Labcorp Genetics (formerly Invitae), Labcorp); PubMed 25118264 (cited by Labcorp Genetics (formerly Invitae), Labcorp); PubMed 28349240 (cited by Laboratory for Molecular Medicine, Mass General Brigham Personalized Medicine).

NM_207352.4(CYP4V2):c.501_504del (p.Glu168fs)

Gene: CYP4V2 (cytochrome P450 family 4 subfamily V member 2; plus strand). Cytogenetic location: 4q35.1.
Variant type: Microsatellite.
Coding change: c.501_504del on transcript NM_207352.4 (MANE Select); coding-DNA positions 501 to 504, 4 bases deleted (TGAA; older notation c.501_504delTGAA).
Protein change: p.Glu168fs; shifts the reading frame from glutamic acid 168.
Molecular consequence: frameshift variant.
Genome position (GRCh38, 1-based): chr4:186,197,027-186,197,030, TGAA deleted; deleting any 4 consecutive bases within chr4:186,197,022-186,197,030 gives the same sequence; the c. name uses the placement nearest the transcript's 3' end. VCF-style (leftmost placement, unchanged base first): chr4-186197021-CATGA-C. GRCh37 (hg19) VCF-style: chr4-187118175-CATGA-C.
Other names: short protein forms E168fs.
Identifiers: ClinVar variation 930032 (VCV000930032.8), dbSNP rs746484929, ClinGen allele CA3162572.